The following is an entry in ClinVar:

ClinVar aggregate classification (germline): Benign. Review status: criteria provided, multiple submitters, no conflicts (2 of 4 stars). 2 submissions from 2 submitters: Benign (2). Last evaluated 2018-01-12.

Conditions:
Hypermanganesemia with dystonia, polycythemia, and cirrhosis (HMNDYT1). Also called: Hepatic Cirrhosis, Dystonia, Polycythemia and Hypermanganesemia; Cirrhosis - dystonia - polycythemia - hypermanganesemia syndrome; Hypermanganesemia with Dystonia 1. Identifiers: Orphanet 309854, MedGen C2750442, MONDO:0013208, OMIM 613280.

Allele frequency attached by ClinVar (database versions not stated): TOPMed 0.02149; 1000 Genomes Project 30x 0.03904; 1000 Genomes Project 0.04093.

Submissions (2):

Illumina Laboratory Services, Illumina
Classification: Benign for Hypermanganesemia with dystonia, polycythemia, and cirrhosis. Last evaluated: 2018-01-12. Review status: criteria provided, single submitter. Criteria: ICSL Variant Classification Criteria 13 December 2019. Collection method: clinical testing. Allele origin: germline.
Comment: This variant was observed in the ICSL laboratory as part of a predisposition screen in an ostensibly healthy population. It had not been previously curated by ICSL or reported in the Human Gene Mutation Database (HGMD: prior to June 1st, 2018), and was therefore a candidate for classification through an automated scoring system. Utilizing variant allele frequency, disease prevalence and penetrance estimates, and inheritance mode, an automated score was calculated to assess if this variant is too frequent to cause the disease. Based on the score and internal cut-off values, a variant classified as benign is not then subjected to further curation. The score for this variant resulted in a classification of benign for this disease.

Breakthrough Genomics
Classification: Benign. Review status: criteria provided, single submitter. Criteria: ACMG Guidelines, 2015. Collection method: not provided. Allele origin: germline. Inheritance: Autosomal recessive inheritance. Affected: yes.

NM_018713.3(SLC30A10):c.*1088G>A

Gene: SLC30A10 (solute carrier family 30 member 10; minus strand). Cytogenetic location: 1q41.
Variant type: single nucleotide variant.
Coding change: c.*1088G>A on transcript NM_018713.3 (MANE Select); 1088 bases downstream of the stop codon, G replaced by A.
Molecular consequence: 3 prime UTR variant. On other transcripts: non-coding transcript variant (2).
Genome position (GRCh38, 1-based): chr1:219,914,361, C>T on the plus strand (G>A on the coding strand, the complement: SLC30A10 is on the minus strand). VCF-style: chr1-219914361-C-T. GRCh37 (hg19) VCF-style: chr1-220087703-C-T.
Other names: c.*1088G>A (NM_001376929.1).
Identifiers: ClinVar variation 295576 (VCV000295576.6), dbSNP rs2275706, ClinGen allele CA10610113.